The following is an entry in ClinVar:

NM_001145263.2(NCOA4):c.686C>T (p.Thr229Ile)

Gene: NCOA4 (nuclear receptor coactivator 4; minus strand). Cytogenetic location: 10q11.22.
Variant type: single nucleotide variant.
Coding change: c.686C>T on transcript NM_001145263.2 (MANE Select); coding-DNA position 686, C replaced by T.
Protein change: p.Thr229Ile; replaces threonine 229 with isoleucine.
Molecular consequence: missense variant.
Genome position (GRCh38, 1-based): chr10:46,012,911, G>A on the plus strand (C>T on the coding strand, the complement: NCOA4 is on the minus strand). VCF-style: chr10-46012911-G-A. GRCh37 (hg19) VCF-style: chr10-51582911-C-T.
Other names: c.734C>T, p.Thr245Ile (NM_001145260.2, NM_001145261.2); c.686C>T, p.Thr229Ile (NM_001145262.2, NM_005437.4); short protein forms T245I, T229I.
Identifiers: ClinVar variation 789307 (VCV000789307.28), dbSNP rs113955117, ClinGen allele CA5500284.
Genomic context (GRCh38, chr10:46,012,911, plus strand): 5'-CTACTGTAGAAACAATAAAAGCAGCAACAGACCTGACTGTTCTCCAAGGTCTGCTTTTGG[G>A]TAAGCCAGTCCTGGGGGTCGGTGCTGGGTATGTAAGGAGCTTGATAACCACTGGCAGGTT-3'
Protein context (NP_001138735.1, residues 219-239): IPSTDPQDWL[Thr229Ile]QKQTLENSQT

ClinVar aggregate classification (germline): Benign/Likely benign. Review status: criteria provided, multiple submitters, no conflicts (2 of 4 stars). 3 submissions from 3 submitters: Benign (2); Likely benign (1). Last evaluated 2023-01-01.

Allele frequency attached by ClinVar (database versions not stated): 1000 Genomes Project 30x 0.00312; 1000 Genomes Project 0.00319; TOPMed 0.00378; ESP Exome Variant Server 0.00438; ExAC 0.00536; gnomAD 0.00550 and 0.00573; gnomAD exomes 0.00566 and 0.00769.

Submissions (3):

CeGaT Center for Human Genetics Tuebingen
Classification: Likely benign. Last evaluated: 2023-01-01. Review status: criteria provided, single submitter. Criteria: CeGaT Center For Human Genetics Tuebingen Variant Classification Criteria Version 2. Collection method: clinical testing. Allele origin: germline. Affected: yes. Observed: 1 variant allele.
Comment: TIMM23B: BS2

Labcorp Genetics (formerly Invitae), Labcorp
Classification: Benign. Last evaluated: 2018-05-22. Review status: criteria provided, single submitter. Criteria: Invitae Variant Classification Sherloc (09022015). Collection method: clinical testing. Allele origin: germline.

Breakthrough Genomics
Classification: Benign. Review status: criteria provided, single submitter. Criteria: ACMG Guidelines, 2015. Collection method: not provided. Allele origin: germline. Inheritance: Unknown mechanism. Affected: yes.